The following is an entry in ClinVar:

NM_000245.4(MET):c.199A>T (p.Thr67Ser)

Gene: MET (MET proto-oncogene, receptor tyrosine kinase; plus strand). Cytogenetic location: 7q31.2.
Variant type: single nucleotide variant.
Coding change: c.199A>T on transcript NM_000245.4 (MANE Select); coding-DNA position 199, A replaced by T.
Protein change: p.Thr67Ser; replaces threonine 67 with serine.
Molecular consequence: missense variant. On other transcripts: intron variant (1).
Genome position (GRCh38, 1-based): chr7:116,699,283, A>T. VCF-style: chr7-116699283-A-T. GRCh37 (hg19) VCF-style: chr7-116339337-A-T.
Other names: c.199A>T, p.Thr67Ser (NM_001127500.3, NM_001324401.3); c.-91+26706A>T (NM_001324402.2); short protein forms T67S.
Identifiers: ClinVar variation 216503 (VCV000216503.9), dbSNP rs202047059, ClinGen allele CA336986.

ClinVar aggregate classification (germline): Uncertain significance (1 of 4 stars; one submission).

Conditions:
Renal cell carcinoma. Identifiers: Orphanet 217071, MedGen C0007134, MeSH D002292, MONDO:0005086, HP:0005584.

Submission:

Labcorp Genetics (formerly Invitae), Labcorp
Classification: Uncertain significance for Renal cell carcinoma. Last evaluated: 2022-09-13. Review status: criteria provided, single submitter. Criteria: Invitae Variant Classification Sherloc (09022015). Collection method: clinical testing. Allele origin: germline.
Comment: Advanced modeling of protein sequence and biophysical properties (such as structural, functional, and spatial information, amino acid conservation, physicochemical variation, residue mobility, and thermodynamic stability) performed at Invitae indicates that this missense variant is not expected to disrupt MET protein function. In summary, the available evidence is currently insufficient to determine the role of this variant in disease. Therefore, it has been classified as a Variant of Uncertain Significance. ClinVar contains an entry for this variant (Variation ID: 216503). This variant has not been reported in the literature in individuals affected with MET-related conditions. This variant is not present in population databases (gnomAD no frequency). This sequence change replaces threonine, which is neutral and polar, with serine, which is neutral and polar, at codon 67 of the MET protein (p.Thr67Ser).